The following is an entry in ClinVar:

NM_001042492.3(NF1):c.6855_6856del (p.Tyr2285_Asn2286delinsTer)

Gene: NF1 (neurofibromin 1; plus strand). Cytogenetic location: 17q11.2.
Variant type: Deletion.
Coding change: c.6855_6856del on transcript NM_001042492.3 (MANE Select); coding-DNA positions 6855 to 6856, 2 bases deleted (CA; older notation c.6855_6856delCA).
Protein change: p.Tyr2285_Asn2286delinsTer.
Molecular consequence: nonsense. On other transcripts: frameshift variant (1).
Genome position (GRCh38, 1-based): chr17:31,338,739-31,338,740, CA deleted; deleting any 2 consecutive bases within chr17:31,338,738-31,338,740 gives the same sequence; the c. name uses the placement nearest the transcript's 3' end. VCF-style (leftmost placement, unchanged base first): chr17-31338737-TAC-T. GRCh37 (hg19) VCF-style: chr17-29665755-TAC-T.
Other names: c.6792_6793delCA, p.Tyr2264Terfs (NM_000267.4).
Identifiers: ClinVar variation 3717030 (VCV003717030.2).

ClinVar aggregate classification (germline): Pathogenic (1 of 4 stars; one submission).

Conditions:
Neurofibromatosis, type 1 (NF1). Also called: VON RECKLINGHAUSEN DISEASE; NEUROFIBROMATOSIS, TYPE I, SOMATIC; Peripheral type neurofibromatosis; Neurofibromatosis, type I. Identifiers: Orphanet 636, MedGen C0027831, MONDO:0018975, OMIM 162200. Disease mechanism: loss of function.

Submission:

Labcorp Genetics (formerly Invitae), Labcorp
Classification: Pathogenic for Neurofibromatosis, type 1. Last evaluated: 2024-09-14. Review status: criteria provided, single submitter. Criteria: Invitae Variant Classification Sherloc (09022015). Collection method: clinical testing. Allele origin: germline.
Comment: This sequence change creates a premature translational stop signal (p.Tyr2264*) in the NF1 gene. It is expected to result in an absent or disrupted protein product. Loss-of-function variants in NF1 are known to be pathogenic (PMID: 10712197, 23913538). This variant is not present in population databases (gnomAD no frequency). This variant has not been reported in the literature in individuals affected with NF1-related conditions. Algorithms developed to predict the effect of sequence changes on RNA splicing suggest that this variant may disrupt the consensus splice site. For these reasons, this variant has been classified as Pathogenic.

Literature cited by the submitters: PubMed 10712197; PubMed 23913538.